The following is an entry in ClinVar:

NM_033118.4(MYLK2):c.97G>T (p.Gly33Trp)

Gene: MYLK2 (myosin light chain kinase 2; plus strand). Cytogenetic location: 20q11.21.
Variant type: single nucleotide variant.
Coding change: c.97G>T on transcript NM_033118.4 (MANE Select); coding-DNA position 97, G replaced by T.
Protein change: p.Gly33Trp; replaces glycine 33 with tryptophan.
Molecular consequence: missense variant.
Genome position (GRCh38, 1-based): chr20:31,820,170, G>T. VCF-style: chr20-31820170-G-T. GRCh37 (hg19) VCF-style: chr20-30407973-G-T.
Other names: short protein forms G33W.
Identifiers: ClinVar variation 1917803 (VCV001917803.6), dbSNP rs751317546, ClinGen allele CA408524912.
Genomic context (GRCh38, chr20:31,820,170, plus strand): 5'-CTCACCTCCTCTGCAGACAAGGCACCTAAAGGTCCCACAGGTGAAAGACCCCTGGCTGCA[G>T]GGAAAGACCCTGGCCCCCCAGACCCAAAGAAAGCTCCGGATCCACCCACCCTGAAGAAAG-3'
Protein context (NP_149109.1, residues 23-43): GPTGERPLAA[Gly33Trp]KDPGPPDPKK

ClinVar aggregate classification (germline): Uncertain significance. Review status: criteria provided, multiple submitters, no conflicts (2 of 4 stars). 2 submissions from 2 submitters: Uncertain significance (2). Last evaluated 2025-07-13.

Conditions:
Hypertrophic cardiomyopathy 1 (CMH1). Also called: Familial hypertrophic cardiomyopathy 1; MYH7-Related Familial Hypertrophic Cardiomyopathy. Identifiers: MedGen C3495498, MONDO:0008647, OMIM 192600.

Submissions (2):

Ambry Genetics
Classification: Uncertain significance. Last evaluated: 2025-07-13. Review status: criteria provided, single submitter. Criteria: Ambry Variant Classification Scheme 2023. Collection method: clinical testing. Allele origin: germline.
Comment: The p.G33W variant (also known as c.97G>T), located in coding exon 2 of the MYLK2 gene, results from a G to T substitution at nucleotide position 97. The glycine at codon 33 is replaced by tryptophan, an amino acid with highly dissimilar properties. This amino acid position is conserved. In addition, this alteration is predicted to be tolerated by in silico analysis. Based on the available evidence, the clinical significance of this variant remains unclear.

Labcorp Genetics (formerly Invitae), Labcorp
Classification: Uncertain significance for Hypertrophic cardiomyopathy 1. Last evaluated: 2022-06-16. Review status: criteria provided, single submitter. Criteria: Invitae Variant Classification Sherloc (09022015). Collection method: clinical testing. Allele origin: germline.
Comment: In summary, the available evidence is currently insufficient to determine the role of this variant in disease. Therefore, it has been classified as a Variant of Uncertain Significance. This variant has not been reported in the literature in individuals affected with MYLK2-related conditions. Algorithms developed to predict the effect of missense changes on protein structure and function are either unavailable or do not agree on the potential impact of this missense change (SIFT: "Tolerated"; PolyPhen-2: "Possibly Damaging"; Align-GVGD: "Class C0"). This sequence change replaces glycine, which is neutral and non-polar, with tryptophan, which is neutral and slightly polar, at codon 33 of the MYLK2 protein (p.Gly33Trp). This variant is not present in population databases (gnomAD no frequency).